The following is an entry in ClinVar:

ClinVar aggregate classification (germline): Pathogenic (1 of 4 stars; one submission).

Conditions:
FRAXE. Also called: Fragile XE syndrome; FRAXE Syndrome; FRAXE intellectual disability; Intellectual developmental disorder, X-linked 109; Intellectual disability, X-linked, FRAXE type. Identifiers: Orphanet 100973, MedGen C0751157, MONDO:0010659, OMIM 309548. Disease mechanism: loss of function.

Submission:

Myriad Genetics, Inc.
Classification: Pathogenic for FRAXE. Last evaluated: 2026-05-06. Review status: criteria provided, single submitter. Criteria: Myriad Autosomal Dominant, Autosomal Recessive and X-Linked Classification Criteria (2023). Collection method: clinical testing. Allele origin: unknown.
Comment: NM_002025.3(AFF2):c.3609G>A(W1203*) is expected to be pathogenic in the context of fragile XE syndrome. This variant is predicted to lead to an abnormal or absent protein product due to the creation of a premature termination codon in AFF2, a gene where loss-of-function variants are known to be pathogenic. Please note: this variant was assessed in the context of healthy population screening.

NM_002025.4(AFF2):c.3609G>A (p.Trp1203Ter)

Gene: AFF2 (ALF transcription elongation factor 2; plus strand). Cytogenetic location: Xq28.
Variant type: single nucleotide variant.
Coding change: c.3609G>A on transcript NM_002025.4 (MANE Select); coding-DNA position 3609, G replaced by A.
Protein change: p.Trp1203Ter; replaces tryptophan 1203 with a stop codon.
Molecular consequence: nonsense.
Genome position (GRCh38, 1-based): chrX:148,980,776, G>A. VCF-style: chrX-148980776-G-A. GRCh37 (hg19) VCF-style: chrX-148062306-G-A.
Other names: c.3504G>A, p.Trp1168Ter (NM_001169122.2, NM_001169124.2); c.3579G>A, p.Trp1193Ter (NM_001169123.2); c.3492G>A, p.Trp1164Ter (NM_001169125.2); c.2532G>A, p.Trp844Ter (NM_001170628.1); short protein forms W1164*, W1168*, W1193*, W1203*, W844*.
Identifiers: ClinVar variation 5015887 (VCV005015887.1).